The following is an entry in ClinVar:

ClinVar aggregate classification (germline): Uncertain significance (1 of 4 stars; one submission).

gnomAD v4.1: 6 of 1,613,904 alleles (0.00037%); highest among the groups gnomAD compares: African/African-American, 0.008%; no homozygotes.

Submission:

Labcorp Genetics (formerly Invitae), Labcorp
Classification: Uncertain significance. Last evaluated: 2025-08-29. Review status: criteria provided, single submitter. Criteria: Invitae Variant Classification Sherloc (09022015). Collection method: clinical testing. Allele origin: germline.
Comment: This sequence change replaces isoleucine, which is neutral and non-polar, with valine, which is neutral and non-polar, at codon 200 of the P2RY12 protein (p.Ile200Val). This variant is present in population databases (rs375189871, gnomAD 0.02%). This variant has not been reported in the literature in individuals affected with P2RY12-related conditions. An algorithm developed to predict the effect of missense changes on protein structure and function (PolyPhen-2) suggests that this variant is likely to be tolerated. In summary, the available evidence is currently insufficient to determine the role of this variant in disease. Therefore, it has been classified as a Variant of Uncertain Significance.

NM_022788.5(P2RY12):c.598A>G (p.Ile200Val)

Genes: MED12L (mediator complex subunit 12L; plus strand), P2RY12 (purinergic receptor P2Y12; minus strand). Cytogenetic location: 3q25.1.
Variant type: single nucleotide variant.
Coding change: c.598A>G on transcript NM_022788.5 (MANE Select); coding-DNA position 598, A replaced by G.
Protein change: p.Ile200Val; replaces isoleucine 200 with valine.
Molecular consequence: missense variant. On other transcripts: intron variant (2).
Genome position (GRCh38, 1-based): chr3:151,338,248, T>C on the plus strand (A>G on the coding strand, the complement: P2RY12 is on the minus strand). VCF-style: chr3-151338248-T-C. GRCh37 (hg19) VCF-style: chr3-151056036-T-C.
Other names: c.598A>G, p.Ile200Val (NM_176876.3); c.2251-11811T>C (NM_001393769.1); c.2146-11811T>C (NM_053002.6); short protein forms I200V.
Identifiers: ClinVar variation 4702860 (VCV004702860.1).
Genomic context (GRCh38, chr3:151,338,248, plus strand): 5'-ATGACCGGTACAGTTCTTTTGTAATGAGTGTATAACATACAATAACAATTAAGAAATTAA[T>C]CCAGAAAATGACTTGACAGATGTAATTTACTATTTCATGCCAGACTAGACCGAACTCTGA-3'
Protein context (NP_073625.1, residues 190-210): VNYICQVIFW[Ile200Val]NFLIVIVCYT